The following is an entry in ClinVar:

NM_001018113.3(FANCB):c.2314T>G (p.Ser772Ala)

Gene: FANCB (FA complementation group B; minus strand). Cytogenetic location: Xp22.2.
Variant type: single nucleotide variant.
Coding change: c.2314T>G on transcript NM_001018113.3 (MANE Select); coding-DNA position 2314, T replaced by G.
Protein change: p.Ser772Ala; replaces serine 772 with alanine.
Molecular consequence: missense variant.
Genome position (GRCh38, 1-based): chrX:14,843,833, A>C on the plus strand (T>G on the coding strand, the complement: FANCB is on the minus strand). VCF-style: chrX-14843833-A-C. GRCh37 (hg19) VCF-style: chrX-14861955-A-C.
Other names: c.2314T>G, p.Ser772Ala (NM_001324162.2, NM_001410764.1, NM_152633.4); short protein forms S772A.
Identifiers: ClinVar variation 3712967 (VCV003712967.2).

ClinVar aggregate classification (germline): Uncertain significance (1 of 4 stars; one submission).

Conditions:
Fanconi anemia (FA). Also called: Fanconi's anemia. Identifiers: Orphanet 84, MedGen C0015625, MeSH D005199, MONDO:0019391.

Submission:

Labcorp Genetics (formerly Invitae), Labcorp
Classification: Uncertain significance for Fanconi anemia. Last evaluated: 2024-12-07. Review status: criteria provided, single submitter. Criteria: Invitae Variant Classification Sherloc (09022015). Collection method: clinical testing. Allele origin: germline.
Comment: This sequence change replaces serine, which is neutral and polar, with alanine, which is neutral and non-polar, at codon 772 of the FANCB protein (p.Ser772Ala). This variant is not present in population databases (gnomAD no frequency). This variant has not been reported in the literature in individuals affected with FANCB-related conditions. Invitae Evidence Modeling of protein sequence and biophysical properties (such as structural, functional, and spatial information, amino acid conservation, physicochemical variation, residue mobility, and thermodynamic stability) indicates that this missense variant is expected to disrupt FANCB protein function with a positive predictive value of 80%. In summary, the available evidence is currently insufficient to determine the role of this variant in disease. Therefore, it has been classified as a Variant of Uncertain Significance.